The following is an entry in ClinVar:

ClinVar aggregate classification (germline): Uncertain significance. Review status: criteria provided, multiple submitters, no conflicts (2 of 4 stars). 2 submissions from 2 submitters: Uncertain significance (2). Last evaluated 2024-03-06.

Conditions:
Familial thoracic aortic aneurysm and aortic dissection (TAAD). Also called: Thoracic aortic aneurysms and dissections. Identifiers: Orphanet 91387, MedGen C4707243, MONDO:0019625.

Allele frequency attached by ClinVar (database versions not stated): TOPMed below 0.00001; gnomAD exomes 0.00001 and 0.00002.
gnomAD v4.1: 14 of 1,609,006 alleles (0.00087%); highest among the groups gnomAD compares: South Asian, 0.015%; no homozygotes.

Submissions (2):

Color Diagnostics, LLC DBA Color Health
Classification: Uncertain significance for Familial thoracic aortic aneurysm and aortic dissection. Last evaluated: 2024-03-06. Review status: criteria provided, single submitter. Criteria: ACMG Guidelines, 2015. Collection method: clinical testing. Allele origin: germline.
Comment: This missense variant replaces alanine with threonine at codon 1761 of the MYH11 protein. Computational prediction suggests that this variant may not impact protein structure and function (internally defined REVEL score threshold <= 0.5, PMID: 27666373). To our knowledge, functional studies have not been reported for this variant. This variant has not been reported in individuals affected with cardiovascular disorders in the literature. This variant has been identified in 4/247270 chromosomes in the general population by the Genome Aggregation Database (gnomAD). The available evidence is insufficient to determine the role of this variant in disease conclusively. Therefore, this variant is classified as a Variant of Uncertain Significance.

All of Us Research Program, National Institutes of Health
Classification: Uncertain significance for Familial thoracic aortic aneurysm and aortic dissection. Last evaluated: 2023-02-24. Review status: criteria provided, single submitter. Criteria: ACMG Guidelines, 2015. Collection method: clinical testing. Allele origin: germline. Inheritance: Autosomal dominant inheritance. Observed: 1 variant allele, 1 heterozygote.
Comment: This missense variant replaces alanine with threonine at codon 1761 of the MYH11 protein. Computational prediction suggests that this variant may not impact protein structure and function (internally defined REVEL score threshold <= 0.5, PMID: 27666373). To our knowledge, functional studies have not been reported for this variant. This variant has not been reported in individuals affected with cardiovascular disorders in the literature. This variant has been identified in 4/247270 chromosomes in the general population by the Genome Aggregation Database (gnomAD). The available evidence is insufficient to determine the role of this variant in disease conclusively. Therefore, this variant is classified as a Variant of Uncertain Significance.

This study involves interpretation of variants in research participants for the purpose of population health screening. Participant phenotype was not available at the time of variant classification. Additional details can be found in publication PMID: 35346344, PMCID: PMC8962531

NM_002474.3(MYH11):c.5260G>A (p.Ala1754Thr)

Genes: NDE1 (nudE neurodevelopment protein 1; plus strand), MYH11 (myosin heavy chain 11; minus strand). Cytogenetic location: 16p13.11.
Variant type: single nucleotide variant.
Coding change: c.5260G>A on transcript NM_002474.3 (MANE Select); coding-DNA position 5260, G replaced by A.
Protein change: p.Ala1754Thr; replaces alanine 1754 with threonine.
Molecular consequence: missense variant. On other transcripts: intron variant (2).
Genome position (GRCh38, 1-based): chr16:15,718,350, C>T on the plus strand (G>A on the coding strand, the complement: MYH11 is on the minus strand). VCF-style: chr16-15718350-C-T. GRCh37 (hg19) VCF-style: chr16-15812207-C-T.
Other names: c.5281G>A, p.Ala1761Thr (NM_001040113.2, NM_001040114.2); c.5260G>A, p.Ala1754Thr (NM_022844.3); c.948-5841C>T (NM_001143979.2, NM_017668.3); short protein forms A1754T, A1761T.
Identifiers: ClinVar variation 927994 (VCV000927994.6), dbSNP rs1402732324, ClinGen allele CA394849972.